The following is an entry in ClinVar:

ClinVar aggregate classification (germline): Conflicting classifications of pathogenicity. Review status: criteria provided, conflicting classifications (1 of 4 stars). 3 submissions from 3 submitters: Uncertain significance (2); Benign (1). Last evaluated 2025-04-01.

Conditions:
Inborn genetic diseases. Identifiers: MedGen C0950123, MeSH D030342.
Camptomelic dysplasia (CMPD). Also called: CMPD1/SRA1; Campomelic Dysplasia. Identifiers: Orphanet 140, MedGen C1861922, MONDO:0007251, OMIM 114290.

Allele frequency attached by ClinVar (database versions not stated): TOPMed 0.00001; 1000 Genomes Project 30x 0.00016.
gnomAD v4.1: 24 of 1,297,532 alleles (0.0018%); highest among the groups gnomAD compares: South Asian, 0.025%; no homozygotes.

Submissions (3):

Labcorp Genetics (formerly Invitae), Labcorp
Classification: Benign for Camptomelic dysplasia. Last evaluated: 2025-04-01. Review status: criteria provided, single submitter. Criteria: Invitae Variant Classification Sherloc (09022015). Collection method: clinical testing. Allele origin: germline.

Ambry Genetics
Classification: Uncertain significance for Inborn genetic diseases. Last evaluated: 2024-12-10. Review status: criteria provided, single submitter. Criteria: Ambry Variant Classification Scheme 2023. Collection method: clinical testing. Allele origin: germline.

GeneDx
Classification: Uncertain significance. Last evaluated: 2020-02-05. Review status: criteria provided, single submitter. Criteria: GeneDx Variant Classification Process June 2021. Collection method: clinical testing. Allele origin: germline. Affected: yes.
Comment: Has not been previously published as pathogenic or benign to our knowledge; In silico analysis supports that this missense variant does not alter protein structure/function

NM_000346.4(SOX9):c.1058C>A (p.Pro353Gln)

Gene: SOX9 (SRY-box transcription factor 9; plus strand). Cytogenetic location: 17q24.3.
Variant type: single nucleotide variant.
Coding change: c.1058C>A on transcript NM_000346.4 (MANE Select); coding-DNA position 1058, C replaced by A.
Protein change: p.Pro353Gln; replaces proline 353 with glutamine.
Molecular consequence: missense variant.
Genome position (GRCh38, 1-based): chr17:72,123,915, C>A. VCF-style: chr17-72123915-C-A. GRCh37 (hg19) VCF-style: chr17-70120056-C-A.
Other names: short protein forms P353Q.
Identifiers: ClinVar variation 1194502 (VCV001194502.11), dbSNP rs762041707, ClinGen allele CA8739082.
Genomic context (GRCh38, chr17:72,123,915, plus strand): 5'-ACGTGTGGATGTCCAAGCAGCAGGCGCCGCCGCCACCCCCGCAGCAGCCCCCACAGGCCC[C>A]GCCGGCCCCGCAGGCGCCCCCGCAGCCGCAGGCGGCGCCCCCACAGCAGCCGGCGGCACC-3'
Protein context (NP_000337.1, residues 343-363): PPPPQQPPQA[Pro353Gln]PAPQAPPQPQ